The following is an entry in ClinVar:

NM_000059.4(BRCA2):c.5613del (p.Ser1871fs)

Gene: BRCA2 (BRCA2 DNA repair associated; plus strand). Cytogenetic location: 13q13.1.
Variant type: Deletion.
Coding change: c.5613del on transcript NM_000059.4 (MANE Select); coding-DNA position 5613, one base deleted (T; older notation c.5613delT).
Protein change: p.Ser1871fs; shifts the reading frame from serine 1871.
Molecular consequence: frameshift variant.
Genome position (GRCh38, 1-based): chr13:32,339,968, T deleted. VCF-style (leftmost placement, unchanged base first): chr13-32339967-GT-G. GRCh37 (hg19) VCF-style: chr13-32914104-GT-G.
Other names: short protein forms S1871fs.
Identifiers: ClinVar variation 929043 (VCV000929043.1), dbSNP rs2072533506, ClinGen allele CA1139663222.

ClinVar aggregate classification (germline): Likely pathogenic (1 of 4 stars; one submission).

Conditions:
Hereditary breast ovarian cancer syndrome. Also called: Hereditary breast and ovarian cancer syndrome; Hereditary breast and ovarian cancer syndrome (HBOC); Hereditary breast and/or ovarian cancer syndrome; Hereditary breast and ovarian cancer; Breast and ovarian cancer; BRCA1- and BRCA2-Associated Hereditary Breast and Ovarian Cancer. Identifiers: Orphanet 145, MedGen C0677776, MeSH D061325, MONDO:0003582. Disease mechanism: loss of function.

Submission:

Women's Health and Genetics/Laboratory Corporation of America, LabCorp
Classification: Likely pathogenic for Hereditary breast and ovarian cancer syndrome. Last evaluated: 2019-07-22. Review status: criteria provided, single submitter. Criteria: LabCorp Variant Classification Summary - May 2015. Collection method: clinical testing. Allele origin: germline.
Comment: Variant summary: BRCA2 c.5613delT (p.Ser1871ArgfsX3) results in a premature termination codon, predicted to cause a truncation of the encoded protein or absence of the protein due to nonsense mediated decay, which are commonly known mechanisms for disease. Truncations downstream of this position have been classified as pathogenic by our laboratory. The variant was absent in 247218 control chromosomes (gnomAD). To our knowledge, no occurrence of c.5613delT in individuals affected with Hereditary Breast and Ovarian Cancer and no experimental evidence demonstrating its impact on protein function have been reported. No clinical diagnostic laboratories have submitted clinical-significance assessments for this variant to ClinVar after 2014. Based on the evidence outlined above, the variant was classified as likely pathogenic.